The following is an entry in ClinVar:

NM_003560.4(PLA2G6):c.434A>G (p.Asn145Ser)

Gene: PLA2G6 (phospholipase A2 group VI; minus strand). Cytogenetic location: 22q13.1.
Variant type: single nucleotide variant.
Coding change: c.434A>G on transcript NM_003560.4 (MANE Select); coding-DNA position 434, A replaced by G.
Protein change: p.Asn145Ser; replaces asparagine 145 with serine.
Molecular consequence: missense variant. On other transcripts: 5 prime UTR variant (3).
Genome position (GRCh38, 1-based): chr22:38,143,280, T>C on the plus strand (A>G on the coding strand, the complement: PLA2G6 is on the minus strand). VCF-style: chr22-38143280-T-C. GRCh37 (hg19) VCF-style: chr22-38539287-T-C.
Other names: c.434A>G, p.Asn145Ser (NM_001004426.3, NM_001199562.3, NM_001349864.2 and 2 more transcripts); c.-101A>G (NM_001349867.2, NM_001349869.2); c.-57A>G (NM_001349868.2); short protein forms N145S.
Identifiers: ClinVar variation 2431588 (VCV002431588.2), dbSNP rs531976631, ClinGen allele CA10231253.

ClinVar aggregate classification (germline): Uncertain significance. Review status: criteria provided, multiple submitters, no conflicts (2 of 4 stars). 2 submissions from 2 submitters: Uncertain significance (2). Last evaluated 2024-10-02.

Conditions:
Infantile neuroaxonal dystrophy (NBIA2A). Also called: Infantile neuroaxonal dystrophy 1; NEURODEGENERATION WITH BRAIN IRON ACCUMULATION 2A; SEITELBERGER DISEASE. Identifiers: Orphanet 35069, MedGen C0270724, MONDO:0024457, OMIM 256600.

Allele frequency attached by ClinVar (database versions not stated): ExAC 0.00001; gnomAD 0.00005; gnomAD exomes below 0.00001.
gnomAD v4.1: 14 of 1,611,816 alleles (0.00087%); highest among the groups gnomAD compares: African/African-American, 0.012%; no homozygotes.

Submissions (2):

Labcorp Genetics (formerly Invitae), Labcorp
Classification: Uncertain significance for Infantile neuroaxonal dystrophy. Last evaluated: 2024-10-02. Review status: criteria provided, single submitter. Criteria: Invitae Variant Classification Sherloc (09022015). Collection method: clinical testing. Allele origin: germline.
Comment: This sequence change replaces asparagine, which is neutral and polar, with serine, which is neutral and polar, at codon 145 of the PLA2G6 protein (p.Asn145Ser). This variant is present in population databases (rs531976631, gnomAD 0.01%). This variant has not been reported in the literature in individuals affected with PLA2G6-related conditions. ClinVar contains an entry for this variant (Variation ID: 2431588). Invitae Evidence Modeling of protein sequence and biophysical properties (such as structural, functional, and spatial information, amino acid conservation, physicochemical variation, residue mobility, and thermodynamic stability) indicates that this missense variant is expected to disrupt PLA2G6 protein function with a positive predictive value of 80%. In summary, the available evidence is currently insufficient to determine the role of this variant in disease. Therefore, it has been classified as a Variant of Uncertain Significance.

Laboratorio de Genetica e Diagnostico Molecular, Hospital Israelita Albert Einstein
Classification: Uncertain significance for Infantile neuroaxonal dystrophy. Last evaluated: 2022-07-29. Review status: criteria provided, single submitter. Criteria: ACMG Guidelines, 2015. Collection method: clinical testing. Allele origin: germline. Affected: yes. Observed: 1 variant allele.
Comment: ACMG classification criteria: PM2 moderated, BP4 supporting